The following is an entry in ClinVar:

NM_004006.3(DMD):c.10213A>G (p.Asn3405Asp)

Gene: DMD (dystrophin; minus strand). Cytogenetic location: Xp21.2.
Variant type: single nucleotide variant.
Coding change: c.10213A>G on transcript NM_004006.3 (MANE Select); coding-DNA position 10213, A replaced by G.
Protein change: p.Asn3405Asp; replaces asparagine 3405 with aspartic acid.
Molecular consequence: missense variant.
Genome position (GRCh38, 1-based): chrX:31,178,679, T>C on the plus strand (A>G on the coding strand, the complement: DMD is on the minus strand). VCF-style: chrX-31178679-T-C. GRCh37 (hg19) VCF-style: chrX-31196796-T-C.
Other names: c.10189A>G, p.Asn3397Asp (NM_000109.4); c.10201A>G, p.Asn3401Asp (NM_004009.3); c.9844A>G, p.Asn3282Asp (NM_004010.3); c.6190A>G, p.Asn2064Asp (NM_004011.4); c.6181A>G, p.Asn2061Asp (NM_004012.4); c.2833A>G, p.Asn945Asp (NM_004013.3, NM_004020.4, NM_004021.3 and 2 more transcripts); c.2026A>G, p.Asn676Asp (NM_004014.3); c.1009A>G, p.Asn337Asp (NM_004015.3, NM_004016.3, NM_004017.3 and 2 more transcripts); short protein forms N676D, N945D, N2064D, N3282D, N337D, N2061D, N3397D, N3401D.
Identifiers: ClinVar variation 931167 (VCV000931167.7), dbSNP rs770516401, ClinGen allele CA10377676.
Genomic context (GRCh38, chrX:31,178,679, plus strand): 5'-GTTCAAATATACATCAAACAAGAGTGTGTTCTGCTTTTGCTACTACTCACGTTTCCATGT[T>C]GTCCCCCTCTAAGACAGTCTGCACTGGCAGGTAGCCCATTCGGGGATGCTTCGCAAAATA-3'
Protein context (NP_003997.2, residues 3395-3415): LPVQTVLEGD[Asn3405Asp]METPVTLINF

ClinVar aggregate classification (germline): Conflicting classifications of pathogenicity. Review status: criteria provided, conflicting classifications (1 of 4 stars). 3 submissions from 3 submitters: Uncertain significance (2); Likely benign (1). Last evaluated 2026-01-13.

Conditions:
Dilated cardiomyopathy 3B (CMD3B). Also called: CMD3B: DMD-Related Dilated Cardiomyopathy; CARDIOMYOPATHY, DILATED, X-LINKED; DMD-Associated Dilated Cardiomyopathy. Identifiers: Orphanet 154, MedGen C3668940, MONDO:0010542, OMIM 302045.
Becker muscular dystrophy (BMD). Also called: MUSCULAR DYSTROPHY, PSEUDOHYPERTROPHIC PROGRESSIVE, BECKER TYPE; Becker Muscular Dystrophy (BMD). Identifiers: Orphanet 98895, MedGen C0917713, MONDO:0010311, OMIM 300376.
Duchenne muscular dystrophy (DMD). Also called: Duchenne Muscular Dystrophy (DMD); MUSCULAR DYSTROPHY, PSEUDOHYPERTROPHIC PROGRESSIVE, DUCHENNE TYPE. Identifiers: Orphanet 98896, MedGen C0013264, MONDO:0010679, OMIM 310200.

Allele frequency attached by ClinVar (database versions not stated): gnomAD 0.00001; gnomAD exomes 0.00001 and 0.00002; TOPMed 0.00001; ExAC 0.00002.
gnomAD v4.1: 12 of 1,205,798 alleles (0.001%); highest among the groups gnomAD compares: Non-Finnish European, 0.0012%; no homozygotes.

Submissions (3):

Labcorp Genetics (formerly Invitae), Labcorp
Classification: Likely benign for Duchenne muscular dystrophy. Last evaluated: 2026-01-13. Review status: criteria provided, single submitter. Criteria: Invitae Variant Classification Sherloc (09022015). Collection method: clinical testing. Allele origin: germline.

Fulgent Genetics
Classification: Uncertain significance for Becker muscular dystrophy; Dilated cardiomyopathy 3B; Duchenne muscular dystrophy. Last evaluated: 2021-07-15. Review status: criteria provided, single submitter. Criteria: ACMG Guidelines, 2015. Collection method: clinical testing. Allele origin: unknown.

Centre for Mendelian Genomics, University Medical Centre Ljubljana
Classification: Uncertain significance for Dilated cardiomyopathy 3B. Last evaluated: 2019-09-20. Review status: criteria provided, single submitter. Criteria: ACMG Guidelines, 2015. Collection method: clinical testing. Allele origin: unknown. Affected: yes.
Comment: This variant was classified as: Uncertain significance. The available evidence favors the pathogenic nature of this variant, however the currently available data is insufficient to conclusively support its pathogenic nature. Thus this variant is classified as Uncertain significance - favor pathogenic. The following ACMG criteria were applied in classifying this variant: PP3. This variant was detected in hemizygous state.